The following is an entry in ClinVar:

ClinVar aggregate classification (germline): Uncertain significance (1 of 4 stars; one submission).

Submission:

GeneDx
Classification: Uncertain significance. Last evaluated: 2024-07-25. Review status: criteria provided, single submitter. Criteria: GeneDx Variant Classification Process June 2021. Collection method: clinical testing. Allele origin: germline. Affected: yes.
Comment: Not observed at significant frequency in large population cohorts (gnomAD); In silico analysis supports that this missense variant has a deleterious effect on protein structure/function; Has not been previously published as pathogenic or benign to our knowledge

NM_015322.5(FEM1B):c.716T>C (p.Leu239Pro)

Gene: FEM1B (fem-1 homolog B; plus strand). Cytogenetic location: 15q23.
Variant type: single nucleotide variant.
Coding change: c.716T>C on transcript NM_015322.5 (MANE Select); coding-DNA position 716, T replaced by C.
Protein change: p.Leu239Pro; replaces leucine 239 with proline.
Molecular consequence: missense variant.
Genome position (GRCh38, 1-based): chr15:68,290,074, T>C. VCF-style: chr15-68290074-T-C. GRCh37 (hg19) VCF-style: chr15-68582412-T-C.
Other names: short protein forms L239P.
Identifiers: ClinVar variation 3600587 (VCV003600587.1).